The following is an entry in ClinVar:

ClinVar aggregate classification (germline): Pathogenic. Review status: criteria provided, multiple submitters, no conflicts (2 of 4 stars). 3 submissions from 3 submitters: Pathogenic (2). 1 of the submissions does not count toward it. Last evaluated 2020-10-14.

Conditions:
Rahman syndrome. Also called: HIST1H1E Syndrome. Identifiers: Orphanet 642763, MedGen C4479637, MONDO:0044323, OMIM 617537.

Submissions (3):

Labcorp Genetics (formerly Invitae), Labcorp
Classification: Pathogenic. Last evaluated: 2020-10-14. Review status: criteria provided, single submitter. Criteria: Invitae Variant Classification Sherloc (09022015). Collection method: clinical testing. Allele origin: germline.
Comment: For these reasons, this variant has been classified as Pathogenic. This variant has been observed in individual(s) with clinical features of Rahman syndrome (PMID: 31447100, Invitae). In at least one individual the variant was observed to be de novo. ClinVar contains an entry for this variant (Variation ID: 635260). This variant is not present in population databases (ExAC no frequency). This sequence change results in a premature translational stop signal in the HIST1H1E gene (p.Ser150Glufs*46). While this is not anticipated to result in nonsense mediated decay, it is expected to disrupt the last 70 amino acid(s) of the HIST1H1E protein.

Tartaglia Lab, Genetics and Rare Diseases Research Division, Bambino Gesu' Children's Hospital
Classification: Pathogenic for Rahman syndrome. Last evaluated: 2019-05-01. Review status: criteria provided, single submitter. Criteria: ACMG Guidelines, 2015. Collection method: research. Allele origin: de novo. Affected: yes.

GeneReviews
No classification provided. Condition: Rahman syndrome. Review status: no classification provided. Collection method: literature only. Allele origin: de novo. Not counted in ClinVar's aggregate classification.

Literature cited by the submitters: PubMed 31447100 (cited by Labcorp Genetics (formerly Invitae), Labcorp); NCBI Bookshelf NBK564966 (cited by GeneReviews); PubMed 33270410 (cited by GeneReviews).

NM_005321.3(H1-4):c.447dup (p.Ser150fs)

Gene: H1-4 (H1.4 linker histone, cluster member; plus strand). Cytogenetic location: 6p22.2.
Variant type: Duplication.
Coding change: c.447dup on transcript NM_005321.3 (MANE Select); coding-DNA position 447, one base duplicated (G; older notation c.447dupG).
Protein change: p.Ser150fs; shifts the reading frame from serine 150.
Molecular consequence: frameshift variant.
Genome position (GRCh38, 1-based): chr6:26,156,837, G duplicated. VCF-style (leftmost placement, unchanged base first): chr6-26156836-A-AG. GRCh37 (hg19) VCF-style: chr6-26157064-A-AG.
Other names: c.447dupG (NM_005321.2); short protein forms S150fs.
Identifiers: ClinVar variation 635260 (VCV000635260.13), dbSNP rs1581429514, ClinGen allele CA915944169.